The following is an entry in ClinVar:

ClinVar aggregate classification (germline): Uncertain significance (1 of 4 stars; one submission).

Allele frequency attached by ClinVar (database versions not stated): gnomAD exomes below 0.00001.
gnomAD v4.1: 1 of 1,211,198 alleles (0.000083%); highest among the groups gnomAD compares: Non-Finnish European, 0.00011%; no homozygotes.

Submission:

GeneDx
Classification: Uncertain significance. Last evaluated: 2022-01-27. Review status: criteria provided, single submitter. Criteria: GeneDx Variant Classification Process June 2021. Collection method: clinical testing. Allele origin: germline. Affected: yes.
Comment: Not observed at significant frequency in large population cohorts (gnomAD); In silico analysis supports that this missense variant does not alter protein structure/function; Has not been previously published as pathogenic or benign to our knowledge

NM_001356.5(DDX3X):c.719G>A (p.Ser240Asn)

Gene: DDX3X (DEAD-box helicase 3 X-linked; plus strand). Cytogenetic location: Xp11.4.
Variant type: single nucleotide variant.
Coding change: c.719G>A on transcript NM_001356.5 (MANE Select); coding-DNA position 719, G replaced by A.
Protein change: p.Ser240Asn; replaces serine 240 with asparagine.
Molecular consequence: missense variant. On other transcripts: non-coding transcript variant (1).
Genome position (GRCh38, 1-based): chrX:41,343,776, G>A. VCF-style: chrX-41343776-G-A. GRCh37 (hg19) VCF-style: chrX-41203029-G-A.
Other names: c.719G>A, p.Ser240Asn (NM_001193416.3); c.671G>A, p.Ser224Asn (NM_001193417.3); c.161G>A, p.Ser54Asn (NM_001363819.1); short protein forms S224N, S240N, S54N.
Identifiers: ClinVar variation 1699764 (VCV001699764.2), dbSNP rs2147352891, ClinGen allele CA412769526.